The following is an entry in ClinVar:

ClinVar aggregate classification (germline): Pathogenic (3 of 4 stars; one submission).

Conditions:
Breast-ovarian cancer, familial, susceptibility to, 2 (BROVCA2). Also called: BRCA2 Hereditary Breast and Ovarian Cancer. Identifiers: Orphanet 145, MedGen C2675520, MONDO:0012933, OMIM 612555. Disease mechanism: loss of function.

Submission:

Evidence-based Network for the Interpretation of Germline Mutant Alleles (ENIGMA)
Classification: Pathogenic for Breast-ovarian cancer, familial, susceptibility to, 2. Last evaluated: 2017-12-15. Review status: reviewed by expert panel. Criteria: ENIGMA BRCA1/2 Classification Criteria (2017-06-29). Collection method: curation. Allele origin: germline. Study: ENIGMA.
Comment: Variant allele predicted to encode a truncated non-functional protein.

NM_000059.4(BRCA2):c.4006_4007insCATC (p.Phe1336fs)

Gene: BRCA2 (BRCA2 DNA repair associated; plus strand). Cytogenetic location: 13q13.1.
Variant type: Insertion.
Coding change: c.4006_4007insCATC on transcript NM_000059.4 (MANE Select); coding-DNA positions 4006 to 4007, CATC inserted.
Protein change: p.Phe1336fs; shifts the reading frame from phenylalanine 1336.
Molecular consequence: frameshift variant.
Genome position: GRCh38 VCF-style: chr13-32338361-T-TCATC. GRCh37 (hg19) VCF-style: chr13-32912498-T-TCATC.
Other names: short protein forms F1336fs.
Identifiers: ClinVar variation 548352 (VCV000548352.1), dbSNP rs80359419, ClinGen allele CA658823560.